The following is an entry in ClinVar:

NM_020207.7(ERCC6L2):c.1485T>G (p.Asp495Glu)

Gene: ERCC6L2 (ERCC excision repair 6 like 2; plus strand). Cytogenetic location: 9q22.32.
Variant type: single nucleotide variant.
Coding change: c.1485T>G on transcript NM_020207.7 (MANE Select); coding-DNA position 1485, T replaced by G.
Protein change: p.Asp495Glu; replaces aspartic acid 495 with glutamic acid.
Molecular consequence: missense variant. On other transcripts: non-coding transcript variant (1).
Genome position (GRCh38, 1-based): chr9:95,923,331, T>G. VCF-style: chr9-95923331-T-G. GRCh37 (hg19) VCF-style: chr9-98685613-T-G.
Other names: c.1485T>G, p.Asp495Glu (NM_001010895.4, NM_001375291.1, NM_001375292.1 and 2 more transcripts); short protein forms D495E.
Identifiers: ClinVar variation 3845888 (VCV003845888.1).

ClinVar aggregate classification (germline): Uncertain significance (1 of 4 stars; one submission).

Conditions:
Inborn genetic diseases. Identifiers: MedGen C0950123, MeSH D030342.

Submission:

Ambry Genetics
Classification: Uncertain significance for Inborn genetic diseases. Last evaluated: 2025-01-23. Review status: criteria provided, single submitter. Criteria: Ambry Variant Classification Scheme 2023. Collection method: clinical testing. Allele origin: germline.
Comment: The p.D495E variant (also known as c.1485T>G), located in coding exon 9 of the ERCC6L2 gene, results from a T to G substitution at nucleotide position 1485. The aspartic acid at codon 495 is replaced by glutamic acid, an amino acid with highly similar properties. This amino acid position is conserved. In addition, this alteration is predicted to be tolerated by in silico analysis. Based on the available evidence, the clinical significance of this variant remains unclear.